The following is an entry in ClinVar:

ClinVar aggregate classification (germline): Uncertain significance (1 of 4 stars; one submission).

Conditions:
Autosomal dominant hypocalcemia 1 (HYPOC1). Also called: HYPOCALCEMIA, FAMILIAL. Identifiers: MedGen C3715128, MONDO:0011013, OMIM 601198.
Familial hypocalciuric hypercalcemia (FHH). Also called: Familial benign hypercalcemia. Identifiers: Orphanet 405, MedGen C1809471, MONDO:0018458.

Allele frequency attached by ClinVar (database versions not stated): ExAC 0.00006.

Submission:

Labcorp Genetics (formerly Invitae), Labcorp
Classification: Uncertain significance for Familial hypocalciuric hypercalcemia; Autosomal dominant hypocalcemia 1. Last evaluated: 2023-03-26. Review status: criteria provided, single submitter. Criteria: Invitae Variant Classification Sherloc (09022015). Collection method: clinical testing. Allele origin: germline.
Comment: This sequence change replaces threonine, which is neutral and polar, with proline, which is neutral and non-polar, at codon 1008 of the CASR protein (p.Thr1008Pro). In summary, the available evidence is currently insufficient to determine the role of this variant in disease. Therefore, it has been classified as a Variant of Uncertain Significance. Algorithms developed to predict the effect of missense changes on protein structure and function output the following: SIFT: "Not Available"; PolyPhen-2: "Benign"; Align-GVGD: "Not Available". The proline amino acid residue is found in multiple mammalian species, which suggests that this missense change does not adversely affect protein function. This variant has not been reported in the literature in individuals affected with CASR-related conditions. The frequency data for this variant in the population databases is considered unreliable, as metrics indicate poor data quality at this position in the gnomAD database.

NM_000388.4(CASR):c.3022A>C (p.Thr1008Pro)

Gene: CASR (calcium sensing receptor; plus strand). Cytogenetic location: 3q21.1.
Variant type: single nucleotide variant.
Coding change: c.3022A>C on transcript NM_000388.4 (MANE Select); coding-DNA position 3022, A replaced by C.
Protein change: p.Thr1008Pro; replaces threonine 1008 with proline.
Molecular consequence: missense variant.
Genome position (GRCh38, 1-based): chr3:122,284,976, A>C. VCF-style: chr3-122284976-A-C. GRCh37 (hg19) VCF-style: chr3-122003823-A-C.
Other names: c.3052A>C, p.Thr1018Pro (NM_001178065.2); short protein forms T1018P, T1008P.
Identifiers: ClinVar variation 2945784 (VCV002945784.3), dbSNP rs772618289, ClinGen allele CA2569910.